The following is an entry in ClinVar:

ClinVar aggregate classification (germline): Pathogenic (1 of 4 stars; one submission).

Conditions:
Cone-rod dystrophy 2 (CORD2). Also called: CONE-ROD RETINAL DYSTROPHY; Cone-rod retinal dystrophy 2. Identifiers: Orphanet 1872, MedGen C3489532, MONDO:0007362, OMIM 120970.
Leber congenital amaurosis 7 (LCA7). Identifiers: Orphanet 65, MedGen C3151192, MONDO:0013449, OMIM 613829.

Submission:

Labcorp Genetics (formerly Invitae), Labcorp
Classification: Pathogenic for Cone-rod dystrophy 2; Leber congenital amaurosis 7. Last evaluated: 2025-07-09. Review status: criteria provided, single submitter. Criteria: Invitae Variant Classification Sherloc (09022015). Collection method: clinical testing. Allele origin: germline.
Comment: This sequence change creates a premature translational stop signal (p.Gln97*) in the CRX gene. While this is not anticipated to result in nonsense mediated decay, it is expected to disrupt the last 203 amino acid(s) of the CRX protein. This variant is not present in population databases (gnomAD no frequency). This variant has not been reported in the literature in individuals affected with CRX-related conditions. This variant disrupts a region of the CRX protein in which other variant(s) (p.Tyr258*) have been determined to be pathogenic (PMID: 22968130, 25270190). This suggests that this is a clinically significant region of the protein, and that variants that disrupt it are likely to be disease-causing. For these reasons, this variant has been classified as Pathogenic.

Literature cited by the submitters: PubMed 22968130; PubMed 25270190.

NM_000554.6(CRX):c.289C>T (p.Gln97Ter)

Gene: CRX (cone-rod homeobox; plus strand). Cytogenetic location: 19q13.33.
Variant type: single nucleotide variant.
Coding change: c.289C>T on transcript NM_000554.6 (MANE Select); coding-DNA position 289, C replaced by T.
Protein change: p.Gln97Ter; replaces glutamine 97 with a stop codon.
Molecular consequence: nonsense.
Genome position (GRCh38, 1-based): chr19:47,839,356, C>T. VCF-style: chr19-47839356-C-T. GRCh37 (hg19) VCF-style: chr19-48342613-C-T.
Other names: short protein forms Q97*.
Identifiers: ClinVar variation 4785539 (VCV004785539.1).